The following is an entry in ClinVar:

NM_015272.5(RPGRIP1L):c.136A>G (p.Ser46Gly)

Gene: RPGRIP1L (RPGRIP1 like; minus strand). Cytogenetic location: 16q12.2.
Variant type: single nucleotide variant.
Coding change: c.136A>G on transcript NM_015272.5 (MANE Select); coding-DNA position 136, A replaced by G.
Protein change: p.Ser46Gly; replaces serine 46 with glycine.
Molecular consequence: missense variant.
Genome position (GRCh38, 1-based): chr16:53,696,245, T>C on the plus strand (A>G on the coding strand, the complement: RPGRIP1L is on the minus strand). VCF-style: chr16-53696245-T-C. GRCh37 (hg19) VCF-style: chr16-53730157-T-C.
Other names: c.136A>G, p.Ser46Gly (NM_001330538.2, NM_001127897.4, NM_001308334.3 and 2 more transcripts); short protein forms S46G.
Identifiers: ClinVar variation 4793538 (VCV004793538.1).

ClinVar aggregate classification (germline): Uncertain significance (1 of 4 stars; one submission).

Conditions:
Meckel-Gruber syndrome. Also called: GRUBER SYNDROME; DYSENCEPHALIA SPLANCHNOCYSTICA; Dysencephalia splachnocystica. Identifiers: Orphanet 564, MedGen C0265215, MONDO:0018921.
Joubert syndrome. Also called: Familial aplasia of the vermis; JOUBERT-BOLTSHAUSER SYNDROME; CEREBELLOPARENCHYMAL DISORDER IV. Identifiers: Orphanet 475, MedGen C5979921, MONDO:0018772.

Submission:

Labcorp Genetics (formerly Invitae), Labcorp
Classification: Uncertain significance for Joubert syndrome; Meckel-Gruber syndrome. Last evaluated: 2025-07-13. Review status: criteria provided, single submitter. Criteria: Invitae Variant Classification Sherloc (09022015). Collection method: clinical testing. Allele origin: germline.
Comment: This sequence change replaces serine, which is neutral and polar, with glycine, which is neutral and non-polar, at codon 46 of the RPGRIP1L protein (p.Ser46Gly). This variant is not present in population databases (gnomAD no frequency). This variant has not been reported in the literature in individuals affected with RPGRIP1L-related conditions. Invitae Evidence Modeling of protein sequence and biophysical properties (such as structural, functional, and spatial information, amino acid conservation, physicochemical variation, residue mobility, and thermodynamic stability) indicates that this missense variant is not expected to disrupt RPGRIP1L protein function with a negative predictive value of 80%. In summary, the available evidence is currently insufficient to determine the role of this variant in disease. Therefore, it has been classified as a Variant of Uncertain Significance.